The following is an entry in ClinVar:

NM_001374736.1(DST):c.3473A>C (p.Glu1158Ala)

Gene: DST (dystonin; minus strand). Cytogenetic location: 6p12.1.
Variant type: single nucleotide variant.
Coding change: c.3473A>C on transcript NM_001374736.1 (MANE Select); coding-DNA position 3473, A replaced by C.
Protein change: p.Glu1158Ala; replaces glutamic acid 1158 with alanine.
Molecular consequence: missense variant.
Genome position (GRCh38, 1-based): chr6:56,634,483, T>G on the plus strand (A>C on the coding strand, the complement: DST is on the minus strand). VCF-style: chr6-56634483-T-G. GRCh37 (hg19) VCF-style: chr6-56499281-T-G.
Other names: c.3374A>C, p.Glu1125Ala (NM_001144769.5); c.2960A>C, p.Glu987Ala (NM_001144770.2); c.3473A>C, p.Glu1158Ala (NM_001374722.1); c.2840A>C, p.Glu947Ala (NM_001374729.1, NM_001374730.1, NM_001386100.1 and 1 more transcripts); c.3500A>C, p.Glu1167Ala (NM_001374734.1); c.1862A>C, p.Glu621Ala (NM_001723.7, NM_015548.5); short protein forms E621A, E947A, E1125A, E1158A, E1167A, E987A.
Identifiers: ClinVar variation 2043967 (VCV002043967.4), dbSNP rs2098809099, ClinGen allele CA364575868.
Genomic context (GRCh38, chr6:56,634,483, plus strand): 5'-CCAAAACTAGCTCAACATTTTTAGCTAATATATACAAACCTGTTGGCAAGGTCCACCGCT[T>G]CTTTGTTTGGTGGAGGAACGGTGAAGCACACAGATGGGACCATAGCCTCATTCCCAGTAG-3'
Protein context (NP_001361665.1, residues 1148-1168): VCFTVPPPNK[Glu1158Ala]AVDLANRIEQ

ClinVar aggregate classification (germline): Uncertain significance (1 of 4 stars; one submission).

Conditions:
Hereditary sensory and autonomic neuropathy type 6. Also called: HSAN VI; Neuropathy, hereditary sensory and autonomic, type VI. Identifiers: Orphanet 314381, MedGen C3539003, MONDO:0013839, OMIM 614653.
Epidermolysis bullosa simplex 3, localized or generalized intermediate, with BP230 deficiency (EBS3). Also called: Epidermolysis bullosa simplex due to BP230 deficiency; Epidermolysis bullosa simplex, autosomal recessive 2. Identifiers: Orphanet 412181, MedGen C3809470, MONDO:0014180, OMIM 615425.

Allele frequency attached by ClinVar (database versions not stated): gnomAD exomes below 0.00001.
gnomAD v4.1: 2 of 1,614,186 alleles (0.00012%); highest among the groups gnomAD compares: Non-Finnish European, 0.00017%; no homozygotes.

Submission:

Labcorp Genetics (formerly Invitae), Labcorp
Classification: Uncertain significance for Epidermolysis bullosa simplex 3, localized or generalized intermediate, with BP230 deficiency; Hereditary sensory and autonomic neuropathy type 6. Last evaluated: 2021-12-15. Review status: criteria provided, single submitter. Criteria: Invitae Variant Classification Sherloc (09022015). Collection method: clinical testing. Allele origin: germline.
Comment: This sequence change replaces glutamic acid, which is acidic and polar, with alanine, which is neutral and non-polar, at codon 621 of the DST protein (p.Glu621Ala). This variant is not present in population databases (gnomAD no frequency). This variant has not been reported in the literature in individuals affected with DST-related conditions. Algorithms developed to predict the effect of missense changes on protein structure and function (SIFT, PolyPhen-2, Align-GVGD) all suggest that this variant is likely to be disruptive. In summary, the available evidence is currently insufficient to determine the role of this variant in disease. Therefore, it has been classified as a Variant of Uncertain Significance.